The following is an entry in ClinVar:

ClinVar aggregate classification (germline): Uncertain significance (1 of 4 stars; one submission).

Conditions:
Leber congenital amaurosis 3 (LCA3). Also called: SPATA7-Related Retinitis Pigmentosa. Identifiers: MedGen C1858677, MONDO:0011415, OMIM 604232.

Submission:

Labcorp Genetics (formerly Invitae), Labcorp
Classification: Uncertain significance for Leber congenital amaurosis 3. Last evaluated: 2023-05-17. Review status: criteria provided, single submitter. Criteria: Invitae Variant Classification Sherloc (09022015). Collection method: clinical testing. Allele origin: germline.
Comment: In summary, the available evidence is currently insufficient to determine the role of this variant in disease. Therefore, it has been classified as a Variant of Uncertain Significance. Algorithms developed to predict the effect of missense changes on protein structure and function output the following: SIFT: "Not Available"; PolyPhen-2: "Benign"; Align-GVGD: "Not Available". The threonine amino acid residue is found in multiple mammalian species, which suggests that this missense change does not adversely affect protein function. ClinVar contains an entry for this variant (Variation ID: 1375814). This variant has not been reported in the literature in individuals affected with SPATA7-related conditions. This variant is not present in population databases (gnomAD no frequency). This sequence change replaces alanine, which is neutral and non-polar, with threonine, which is neutral and polar, at codon 53 of the SPATA7 protein (p.Ala53Thr).

NM_018418.5(SPATA7):c.157G>A (p.Ala53Thr)

Gene: SPATA7 (spermatogenesis associated 7; plus strand). Cytogenetic location: 14q31.3.
Variant type: single nucleotide variant.
Coding change: c.157G>A on transcript NM_018418.5 (MANE Select); coding-DNA position 157, G replaced by A.
Protein change: p.Ala53Thr; replaces alanine 53 with threonine.
Molecular consequence: missense variant. On other transcripts: intron variant (1).
Genome position (GRCh38, 1-based): chr14:88,393,455, G>A. VCF-style: chr14-88393455-G-A. GRCh37 (hg19) VCF-style: chr14-88859799-G-A.
Other names: c.94+2000G>A (NM_001040428.4); short protein forms A53T.
Identifiers: ClinVar variation 1375814 (VCV001375814.8), dbSNP rs2139872972, ClinGen allele CA390546495.